The following is an entry in ClinVar:

ClinVar aggregate classification (germline): Uncertain significance. Review status: criteria provided, multiple submitters, no conflicts (2 of 4 stars). 2 submissions from 2 submitters: Uncertain significance (2). Last evaluated 2024-05-01.

Conditions:
Cardiovascular phenotype. Identifiers: MedGen CN230736.

Allele frequency attached by ClinVar (database versions not stated): ExAC 0.00048.

Submissions (2):

CeGaT Center for Human Genetics Tuebingen
Classification: Uncertain significance. Last evaluated: 2024-05-01. Review status: criteria provided, single submitter. Criteria: CeGaT Center For Human Genetics Tuebingen Variant Classification Criteria Version 2. Collection method: clinical testing. Allele origin: germline. Affected: yes. Observed: 1 variant allele.
Comment: TNXB: PP2, BP4

Ambry Genetics
Classification: Uncertain significance for Cardiovascular phenotype. Last evaluated: 2021-07-09. Review status: criteria provided, single submitter. Criteria: Ambry Variant Classification Scheme 2023. Collection method: clinical testing. Allele origin: germline.

NM_001365276.2(TNXB):c.12728G>T (p.Gly4243Val)

Genes: CYP21A2 (cytochrome P450 family 21 subfamily A member 2; plus strand), TNXB (tenascin XB; minus strand). Cytogenetic location: 6p21.33.
Variant type: single nucleotide variant.
Coding change: c.12728G>T on transcript NM_001365276.2 (MANE Select); coding-DNA position 12728, G replaced by T.
Protein change: p.Gly4243Val; replaces glycine 4243 with valine.
Molecular consequence: missense variant. On other transcripts: 3 prime UTR variant (4).
Genome position (GRCh38, 1-based): chr6:32,041,356, C>A on the plus strand (G>T on the coding strand, the complement: TNXB is on the minus strand). VCF-style: chr6-32041356-C-A. GRCh37 (hg19) VCF-style: chr6-32009133-C-A.
Other names: c.*222C>A (NM_000500.9, NM_001128590.4, NM_001368143.2 and 1 more transcripts); c.12722G>T, p.Gly4241Val (NM_019105.8); c.2015G>T, p.Gly672Val (NM_032470.4); short protein forms G4243V, G672V, G4241V.
Identifiers: ClinVar variation 2383417 (VCV002383417.21), dbSNP rs56148109, ClinGen allele CA3732760.
Genomic context (GRCh38, chr6:32,041,356, plus strand): 5'-GACCCCTCAGTGCTCGGCAGTCATACTGGGGTGCGAGAGAGGTGGGCAGCAGCTCAGCCT[C>A]CCCCCGCTGGGGAGCGAAAGTTTCTTGGTCTCAGCTTCATTTCCGTGAAGGGCACCGAGA-3'
Protein context (NP_001352205.1, residues 4233-4244): RPRNFRSPAG[Gly4243Val]G